The following is an entry in ClinVar:

ClinVar aggregate classification (germline): Likely pathogenic (1 of 4 stars; one submission).

Submission:

GeneDx
Classification: Likely pathogenic. Last evaluated: 2014-10-17. Review status: criteria provided, single submitter. Criteria: GeneDx Variant Classification (06012015). Collection method: clinical testing. Allele origin: germline. Affected: yes.
Comment: The c.3901_3903delCTG variant has not been published as a mutation or as a benign polymorphism to our knowledge. This variant causes an in-frame deletion that does not shift the reading frame or create a premature stop codon. However, the c.3901_3903delCTG variant was not observed in approximately 6,500 individuals of European and African American ancestry in the NHLBI Exome Sequencing Project, indicating it is not a common benign variant in these populations. Additionally, in silico analysis predicts this variant is probably damaging to the protein structure/function. Furthermore, many other in-frame deletions and insertions in the MYH7 gene have been reported in association with cardiomyopathy. Therefore, this variant is a strong candidate for a pathogenic mutation, however the possibility that it is a benign variant cannot be excluded.

NM_000257.4(MYH7):c.3901_3903del (p.Leu1301del)

Gene: MYH7 (myosin heavy chain 7; minus strand). Cytogenetic location: 14q11.2.
Variant type: Deletion.
Coding change: c.3901_3903del on transcript NM_000257.4 (MANE Select); coding-DNA positions 3901 to 3903, 3 bases deleted (CTG; older notation c.3901_3903delCTG).
Protein change: p.Leu1301del; deletes leucine 1301.
Molecular consequence: inframe deletion.
Genome position (GRCh38, 1-based): chr14:23,419,246-23,419,248, CAG deleted on the plus strand (CTG on the coding strand, the reverse complement: MYH7 is on the minus strand); deleting any 3 consecutive bases within chr14:23,419,246-23,419,249 gives the same sequence; the c. name uses the placement nearest the transcript's 3' end. VCF-style (leftmost placement, unchanged base first): chr14-23419245-TCAG-T. GRCh37 (hg19) VCF-style: chr14-23888454-TCAG-T.
Other names: c.3901_3903del (LRG_384t1); short protein forms L1301del.
Identifiers: ClinVar variation 181413 (VCV000181413.2), dbSNP rs730880934, ClinGen allele CA014209.
Genomic context (GRCh38, chr14:23,419,245, plus strand): 5'-CCTCCTCCAGCTGCCTCTTGAGGTCCTCCAGCTGCTGGGTGTAGGTGAGCTTGCCTCGGG[TCAG>T]CTGGGAGATCAGTGCCTCCTTCTCATCCAGCTGCCGGGACAGCTCACCTGGGGAAGCACC-3'